The following is an entry in ClinVar:

NM_003072.5(SMARCA4):c.1419+4C>G

Gene: SMARCA4 (SWI/SNF related BAF chromatin remodeling complex subunit ATPase 4; plus strand). Cytogenetic location: 19p13.2.
Variant type: single nucleotide variant.
Coding change: c.1419+4C>G on transcript NM_003072.5 (MANE Select); 4 bases into the intron after coding-DNA position 1419, C replaced by G.
Molecular consequence: intron variant.
Genome position (GRCh38, 1-based): chr19:10,991,327, C>G. VCF-style: chr19-10991327-C-G. GRCh37 (hg19) VCF-style: chr19-11102003-C-G.
Other names: c.1419+4C>G (NM_001128844.3, NM_001128849.3, NM_001128847.4 and 5 more transcripts).
Identifiers: ClinVar variation 1772185 (VCV001772185.2), dbSNP rs370219784, ClinGen allele CA632115188.

ClinVar aggregate classification (germline): Uncertain significance (1 of 4 stars; one submission).

Conditions:
Hereditary cancer-predisposing syndrome. Also called: Hereditary Cancer Syndrome; Hereditary neoplastic syndrome; Neoplastic Syndromes, Hereditary; Tumor predisposition. Identifiers: Orphanet 140162, MedGen C0027672, MeSH D009386, MONDO:0015356.

gnomAD v4.1: 1 of 1,586,406 alleles (0.000063%); highest among the groups gnomAD compares: East Asian, 0.0023%; no homozygotes.

Submission:

Ambry Genetics
Classification: Uncertain significance for Hereditary cancer-predisposing syndrome. Last evaluated: 2021-08-17. Review status: criteria provided, single submitter. Criteria: Ambry Variant Classification Scheme 2023. Collection method: clinical testing. Allele origin: germline.
Comment: The c.1419+4C>G intronic variant results from a C to G substitution 4 nucleotides after coding exon 7 in the SMARCA4 gene. This nucleotide position is not well conserved in available vertebrate species. In silico splice site analysis predicts that this alteration will not have any significant effect on splicing. Since supporting evidence is limited at this time, the clinical significance of this alteration remains unclear.